The following is an entry in ClinVar:

NM_182961.4(SYNE1):c.353G>A (p.Arg118Gln)

Gene: SYNE1 (spectrin repeat containing nuclear envelope protein 1; minus strand). Cytogenetic location: 6q25.2.
Variant type: single nucleotide variant.
Coding change: c.353G>A on transcript NM_182961.4 (MANE Select); coding-DNA position 353, G replaced by A.
Protein change: p.Arg118Gln; replaces arginine 118 with glutamine.
Molecular consequence: missense variant.
Genome position (GRCh38, 1-based): chr6:152,511,060, C>T on the plus strand (G>A on the coding strand, the complement: SYNE1 is on the minus strand). VCF-style: chr6-152511060-C-T. GRCh37 (hg19) VCF-style: chr6-152832195-C-T.
Other names: c.374G>A, p.Arg125Gln (NM_033071.5); short protein forms R118Q, R125Q.
Identifiers: ClinVar variation 4790411 (VCV004790411.1).
Genomic context (GRCh38, chr6:152,511,060, plus strand): 5'-TAGCACAATACCTGGAAATATAGAATAATGGTCCACATCAATCCAAGAACTATTGAGGGT[C>T]GGCCATCAGCTATATCGGTGGAGTTAATGTTGACTAATTTAATCTGTTTAAAAAAGAGAA-3'
Protein context (NP_892006.3, residues 108-128): NINSTDIADG[Arg118Gln]PSIVLGLMWT

ClinVar aggregate classification (germline): Uncertain significance (1 of 4 stars; one submission).

Conditions:
Autosomal recessive ataxia, Beauce type. Also called: SYNE1-Related Autosomal Recessive Cerebellar Ataxia; Spinocerebellar ataxia, autosomal recessive 8; ATAXIA, RECESSIVE, OF BEAUCE; SYNE1 Deficiency. Identifiers: Orphanet 88644, MedGen C1853116, MONDO:0012549, OMIM 610743.
Emery-Dreifuss muscular dystrophy 4, autosomal dominant (EDMD4). Also called: EMERY-DREIFUSS MUSCULAR DYSTROPHY 4 WITH VARIABLE FEATURES. Identifiers: Orphanet 261, MedGen C2751807, MONDO:0013071, OMIM 612998.

gnomAD v4.1: 6 of 1,613,872 alleles (0.00037%); highest among the groups gnomAD compares: African/African-American, 0.0013%; no homozygotes.

Submission:

Labcorp Genetics (formerly Invitae), Labcorp
Classification: Uncertain significance for Emery-Dreifuss muscular dystrophy 4, autosomal dominant; Autosomal recessive ataxia, Beauce type. Last evaluated: 2025-11-24. Review status: criteria provided, single submitter. Criteria: Invitae Variant Classification Sherloc (09022015). Collection method: clinical testing. Allele origin: germline.
Comment: This sequence change replaces arginine, which is basic and polar, with glutamine, which is neutral and polar, at codon 125 of the SYNE1 protein (p.Arg125Gln). This variant is present in population databases (rs765658291, gnomAD 0.003%). This variant has not been reported in the literature in individuals affected with SYNE1-related conditions. An algorithm developed to predict the effect of missense changes on protein structure and function (PolyPhen-2) suggests that this variant is likely to be disruptive. In summary, the available evidence is currently insufficient to determine the role of this variant in disease. Therefore, it has been classified as a Variant of Uncertain Significance.